The following is an entry in ClinVar:

NM_024422.6(DSC2):c.2442G>A (p.Thr814=)

Gene: DSC2 (desmocollin 2; minus strand). Cytogenetic location: 18q12.1.
Variant type: single nucleotide variant.
Coding change: c.2442G>A on transcript NM_024422.6 (MANE Select); coding-DNA position 2442, G replaced by A.
Protein change: p.Thr814=; no amino-acid change (threonine 814 retained).
Molecular consequence: synonymous variant.
Genome position (GRCh38, 1-based): chr18:31,068,960, C>T on the plus strand (G>A on the coding strand, the complement: DSC2 is on the minus strand). VCF-style: chr18-31068960-C-T. GRCh37 (hg19) VCF-style: chr18-28648926-C-T.
Other names: c.2442G>A, p.Thr814= (NM_004949.5).
Identifiers: ClinVar variation 511117 (VCV000511117.10), dbSNP rs750971227, ClinGen allele CA036813.

ClinVar aggregate classification (germline): Likely benign. Review status: criteria provided, multiple submitters, no conflicts (2 of 4 stars). 6 submissions from 6 submitters: Likely benign (6). Last evaluated 2025-08-26.

Conditions:
Arrhythmogenic right ventricular dysplasia 11. Also called: Arrhythmogenic Right Ventricular Dysplasia/Cardiomyopathy11; ARRHYTHMOGENIC RIGHT VENTRICULAR DYSPLASIA, FAMILIAL, 11; Arrhythmogenic right ventricular dysplasia 11 with mild palmoplantar keratoderma and woolly hair. Identifiers: MedGen C1864850, MONDO:0012506, OMIM 610476.
Cardiovascular phenotype. Identifiers: MedGen CN230736.
Familial isolated arrhythmogenic right ventricular dysplasia. Identifiers: Orphanet 217656, MedGen C4274968, MONDO:0016342.
Cardiomyopathy (CMYO). Also called: Cardiomyopathies. Identifiers: Orphanet 167848, MedGen C0878544, MONDO:0004994, HP:0001638. Inheritance: Various modes of inheritance.

Allele frequency attached by ClinVar (database versions not stated): gnomAD exomes 0.00002; ExAC 0.00002.

Submissions (6):

Labcorp Genetics (formerly Invitae), Labcorp
Classification: Likely benign for Arrhythmogenic right ventricular dysplasia 11. Last evaluated: 2025-08-26. Review status: criteria provided, single submitter. Criteria: Invitae Variant Classification Sherloc (09022015). Collection method: clinical testing. Allele origin: germline.

Women's Health and Genetics/Laboratory Corporation of America, LabCorp
Classification: Likely benign. Last evaluated: 2025-01-27. Review status: criteria provided, single submitter. Criteria: LabCorp Variant Classification Summary - May 2015. Collection method: clinical testing. Allele origin: germline.
Comment: Variant summary: DSC2 c.2442G>A alters a non-conserved nucleotide resulting in a synonymous change. Consensus agreement among computation tools predict no significant impact on normal splicing. However, these predictions have yet to be confirmed by functional studies. The variant allele was found at a frequency of 1.6e-05 in 251222 control chromosomes. The available data on variant occurrences in the general population are insufficient to allow any conclusion about variant significance. To our knowledge, no occurrence of c.2442G>A in individuals affected with Arrhythmogenic Right Ventricular Dysplasia/Cardiomyopathy and no experimental evidence demonstrating its impact on protein function have been reported. ClinVar contains an entry for this variant (Variation ID: 511117). Based on the evidence outlined above, the variant was classified as likely benign.

All of Us Research Program, National Institutes of Health
Classification: Likely benign for Familial isolated arrhythmogenic right ventricular dysplasia. Last evaluated: 2024-08-06. Review status: criteria provided, single submitter. Criteria: ACMG Guidelines, 2015. Collection method: clinical testing. Allele origin: germline. Inheritance: Autosomal dominant inheritance. Observed: 5 variant alleles, 5 heterozygotes.
Comment: This study involves interpretation of variants in research participants for the purpose of population health screening. Participant phenotype was not available at the time of variant classification. Additional details can be found in publication PMID: 35346344, PMCID: PMC8962531

Ambry Genetics
Classification: Likely benign for Cardiovascular phenotype. Last evaluated: 2022-10-03. Review status: criteria provided, single submitter. Criteria: Ambry Variant Classification Scheme 2023. Collection method: clinical testing. Allele origin: germline.

Color Diagnostics, LLC DBA Color Health
Classification: Likely benign for Cardiomyopathy. Last evaluated: 2019-10-30. Review status: criteria provided, single submitter. Criteria: ACMG Guidelines, 2015. Collection method: clinical testing. Allele origin: germline.

GeneDx
Classification: Likely benign. Last evaluated: 2017-07-27. Review status: criteria provided, single submitter. Criteria: GeneDx Variant Classification (06012015). Collection method: clinical testing. Allele origin: germline. Affected: yes.
Comment: This variant is considered likely benign or benign based on one or more of the following criteria: it is a conservative change, it occurs at a poorly conserved position in the protein, it is predicted to be benign by multiple in silico algorithms, and/or has population frequency not consistent with disease.